The following is an entry in ClinVar:

NM_004612.4(TGFBR1):c.805+5_805+6del

Gene: TGFBR1 (transforming growth factor beta receptor 1; plus strand). Cytogenetic location: 9q22.33.
Variant type: Deletion.
Coding change: c.805+5_805+6del on transcript NM_004612.4 (MANE Select); bases 5 to 6 of the intron after coding-DNA position 805, 2 bases deleted (GT; older notation c.805+5_805+6delGT).
Molecular consequence: intron variant.
Genome position (GRCh38, 1-based): chr9:99,138,094-99,138,095, GT deleted; deleting any 2 consecutive bases within chr9:99,138,093-99,138,095 gives the same sequence; the c. name uses the placement nearest the transcript's 3' end. VCF-style (leftmost placement, unchanged base first): chr9-99138092-CTG-C. GRCh37 (hg19) VCF-style: chr9-101900374-CTG-C.
Other names: c.817+5_817+6del (NM_001306210.2); c.574+5_574+6del (NM_001130916.3).
Identifiers: ClinVar variation 1335731 (VCV001335731.38), dbSNP rs2118724763, ClinGen allele CA2573053218.
Genomic context (GRCh38, chr9:99,138,092, plus strand): 5'-CAAACTGTAATGTTACGTCATGAAAACATCCTGGGATTTATAGCAGCAGACAATAAAGGT[CTG>C]TAACATTTGCTTTTCCTTATGTTATATATAACAAGATCTCTTTAAGTCTTTACAGATATG-3'

ClinVar aggregate classification (germline): Uncertain significance. Review status: criteria provided, multiple submitters, no conflicts (2 of 4 stars). 4 submissions from 4 submitters: Uncertain significance (4). Last evaluated 2025-08-04.

Conditions:
Loeys-Dietz syndrome (LDS). Identifiers: Orphanet 60030, MedGen C2697932, MONDO:0018954.
Familial thoracic aortic aneurysm and aortic dissection (TAAD). Also called: Thoracic aortic aneurysms and dissections. Identifiers: Orphanet 91387, MedGen C4707243, MONDO:0019625.
Loeys-Dietz syndrome 1 (LDS1). Also called: FURLONG SYNDROME; TGFBR1-Related Loeys-Dietz Syndrome; AORTIC ANEURYSM, FAMILIAL THORACIC 5. Identifiers: Orphanet 60030, MedGen C4551955, MONDO:0012212, OMIM 609192.

Submissions (4):

Color Diagnostics, LLC DBA Color Health
Classification: Uncertain significance for Familial thoracic aortic aneurysm and aortic dissection. Last evaluated: 2025-08-04. Review status: criteria provided, single submitter. Criteria: ACMG Guidelines, 2015. Collection method: clinical testing. Allele origin: germline.
Comment: This variant causes a deletion of 2 nucleotides in intron 4 splice donor site of the TGFBR1 gene. Splice site prediction tools are inconclusive about the impact of this variant on RNA splicing. To our knowledge, functional studies have not been reported for this variant. This variant has not been reported in individuals affected with TGFBR1-related disorders in the literature. This variant has not been identified in the general population by the Genome Aggregation Database (gnomAD). The available evidence is insufficient to determine the role of this variant in disease conclusively. Therefore, this variant is classified as a Variant of Uncertain Significance.

Clinical Genomics Laboratory, Washington University in St. Louis
Classification: Uncertain significance for Loeys-Dietz syndrome 1. Last evaluated: 2024-01-25. Review status: criteria provided, single submitter. Criteria: ACMG Guidelines, 2015. Collection method: clinical testing. Allele origin: germline.
Comment: The TGFBR1 c.805_+_805+6del variant, to our knowledge, has not been reported in the medical literature and is absent from the general population (gnomAD v.2.1.1), indicating it is not a common variant. Computational predictors are uncertain as to the impact of this variant on TGFBR1 function. This variant has been reported in the ClinVar database as a germline variant of uncertain significance by one submitter. Due to limited information, and based on ACMG/AMP guidelines for variant interpretation (Richards S et al., PMID: 25741868), the clinical significance of this variant is uncertain at this time.

All of Us Research Program, National Institutes of Health
Classification: Uncertain significance for Loeys-Dietz syndrome. Last evaluated: 2023-10-23. Review status: criteria provided, single submitter. Criteria: ACMG Guidelines, 2015. Collection method: clinical testing. Allele origin: germline. Inheritance: Autosomal dominant inheritance. Observed: 3 variant alleles, 3 heterozygotes.
Comment: This variant causes deletion of 2 nucleotides in intron 4 of the TGFBR1 gene. Splice site prediction tools predict that this variant may have a significant impact on RNA splicing. ATo our knowledge, RNA studies have not been reported for this variant. This variant has not been reported in individuals affected with TGFBR1-related disorders in the literature. This variant has not been identified in the general population by the Genome Aggregation Database (gnomAD). Clinical relevance of loss-of-function TGFBR1 splice variants in autosomal dominant cardiovascular disorders is not clearly established. The available evidence is insufficient to determine the role of this variant in disease conclusively. Therefore, this variant is classified as a Variant of Uncertain Significance.

This study involves interpretation of variants in research participants for the purpose of population health screening. Participant phenotype was not available at the time of variant classification. Additional details can be found in publication PMID: 35346344, PMCID: PMC8962531

CeGaT Center for Human Genetics Tuebingen
Classification: Uncertain significance. Last evaluated: 2021-12-01. Review status: criteria provided, single submitter. Criteria: CeGaT Center For Human Genetics Tuebingen Variant Classification Criteria Version 2. Collection method: clinical testing. Allele origin: germline. Affected: yes. Observed: 2 variant alleles.